The following is an entry in ClinVar:

NM_001367561.1(DOCK7):c.3918T>G (p.Ser1306Arg)

Gene: DOCK7 (dedicator of cytokinesis 7; minus strand). Cytogenetic location: 1p31.3.
Variant type: single nucleotide variant.
Coding change: c.3918T>G on transcript NM_001367561.1 (MANE Select); coding-DNA position 3918, T replaced by G.
Protein change: p.Ser1306Arg; replaces serine 1306 with arginine.
Molecular consequence: missense variant.
Genome position (GRCh38, 1-based): chr1:62,528,169, A>C on the plus strand (T>G on the coding strand, the complement: DOCK7 is on the minus strand). VCF-style: chr1-62528169-A-C. GRCh37 (hg19) VCF-style: chr1-62993840-A-C.
Other names: c.3918T>G, p.Ser1306Arg (NM_001271999.2, NM_001330614.2); c.3825T>G, p.Ser1275Arg (NM_001272000.2, NM_001272001.2, NM_033407.4); short protein forms S1306R, S1275R.
Identifiers: ClinVar variation 961365 (VCV000961365.7), dbSNP rs752811052, ClinGen allele CA885852.

ClinVar aggregate classification (germline): Uncertain significance (1 of 4 stars; one submission).

Conditions:
Developmental and epileptic encephalopathy, 23 (DEE23). Also called: Epileptic encephalopathy, early infantile, 23. Identifiers: Orphanet 411986, MedGen C4014492, MONDO:0014371, OMIM 615859.

Allele frequency attached by ClinVar (database versions not stated): gnomAD exomes below 0.00001; TOPMed 0.00002; ExAC 0.00001; gnomAD 0.00003.
gnomAD v4.1: 4 of 1,609,984 alleles (0.00025%); highest among the groups gnomAD compares: African/African-American, 0.0054%; no homozygotes.

Submission:

Labcorp Genetics (formerly Invitae), Labcorp
Classification: Uncertain significance for Developmental and epileptic encephalopathy, 23. Last evaluated: 2021-09-01. Review status: criteria provided, single submitter. Criteria: Invitae Variant Classification Sherloc (09022015). Collection method: clinical testing. Allele origin: germline.
Comment: This sequence change replaces serine with arginine at codon 1306 of the DOCK7 protein (p.Ser1306Arg). The serine residue is highly conserved and there is a moderate physicochemical difference between serine and arginine. This variant is present in population databases (rs752811052, ExAC 0.01%). This variant has not been reported in the literature in individuals affected with DOCK7-related conditions. Algorithms developed to predict the effect of missense changes on protein structure and function are either unavailable or do not agree on the potential impact of this missense change (SIFT: "Deleterious"; PolyPhen-2: "Benign"; Align-GVGD: "Class C0"). Algorithms developed to predict the effect of sequence changes on RNA splicing suggest that this variant may create or strengthen a splice site. In summary, the available evidence is currently insufficient to determine the role of this variant in disease. Therefore, it has been classified as a Variant of Uncertain Significance.